The following is an entry in ClinVar:

ClinVar aggregate classification (germline): Conflicting classifications of pathogenicity. Review status: criteria provided, conflicting classifications (1 of 4 stars). 4 submissions from 4 submitters: Uncertain significance (3); Likely benign (1). Last evaluated 2025-08-09.

Conditions:
Breast-ovarian cancer, familial, susceptibility to, 2 (BROVCA2). Also called: BRCA2 Hereditary Breast and Ovarian Cancer. Identifiers: Orphanet 145, MedGen C2675520, MONDO:0012933, OMIM 612555. Disease mechanism: loss of function.
Hereditary cancer-predisposing syndrome. Also called: Neoplastic Syndromes, Hereditary; Tumor predisposition; Hereditary Cancer Syndrome; Hereditary neoplastic syndrome. Identifiers: Orphanet 140162, MedGen C0027672, MeSH D009386, MONDO:0015356.
Hereditary breast ovarian cancer syndrome. Also called: Hereditary breast and ovarian cancer syndrome; Breast and ovarian cancer; Hereditary breast and ovarian cancer; Hereditary breast and/or ovarian cancer syndrome; BRCA1- and BRCA2-Associated Hereditary Breast and Ovarian Cancer; Hereditary breast and ovarian cancer syndrome (HBOC). Identifiers: Orphanet 145, MedGen C0677776, MeSH D061325, MONDO:0003582. Disease mechanism: loss of function.

Allele frequency attached by ClinVar (database versions not stated): TOPMed below 0.00001; ExAC 0.00001; gnomAD 0.00001.
gnomAD v4.1: 1 of 1,591,734 alleles (0.000063%); highest among the groups gnomAD compares: African/African-American, 0.0014%; no homozygotes.

Submissions (4):

Ambry Genetics
Classification: Uncertain significance for Hereditary cancer-predisposing syndrome. Last evaluated: 2025-08-09. Review status: criteria provided, single submitter. Criteria: Ambry Variant Classification Scheme 2023. Collection method: clinical testing. Allele origin: germline.
Comment: The p.T1673S variant (also known as c.5017A>T), located in coding exon 10 of the BRCA2 gene, results from an A to T substitution at nucleotide position 5017. The threonine at codon 1673 is replaced by serine, an amino acid with similar properties. This amino acid position is well conserved in available vertebrate species. In addition, the in silico prediction for this alteration is inconclusive. Since supporting evidence is limited at this time, the clinical significance of this alteration remains unclear.

Labcorp Genetics (formerly Invitae), Labcorp
Classification: Uncertain significance for Hereditary breast ovarian cancer syndrome. Last evaluated: 2024-09-08. Review status: criteria provided, single submitter. Criteria: Invitae Variant Classification Sherloc (09022015). Collection method: clinical testing. Allele origin: germline.
Comment: This sequence change replaces threonine, which is neutral and polar, with serine, which is neutral and polar, at codon 1673 of the BRCA2 protein (p.Thr1673Ser). This variant is present in population databases (rs746274489, gnomAD 0.007%). This variant has not been reported in the literature in individuals affected with BRCA2-related conditions. ClinVar contains an entry for this variant (Variation ID: 1744789). Invitae Evidence Modeling of protein sequence and biophysical properties (such as structural, functional, and spatial information, amino acid conservation, physicochemical variation, residue mobility, and thermodynamic stability) indicates that this missense variant is not expected to disrupt BRCA2 protein function with a negative predictive value of 95%. In summary, the available evidence is currently insufficient to determine the role of this variant in disease. Therefore, it has been classified as a Variant of Uncertain Significance.

St. Jude Molecular Pathology, St. Jude Children's Research Hospital
Classification: Uncertain significance for Breast-ovarian cancer, familial, susceptibility to, 2. Last evaluated: 2024-05-08. Review status: criteria provided, single submitter. Criteria: St. Jude Assertion Criteria 2020. Collection method: clinical testing. Allele origin: germline.
Comment: The BRCA2 c.5017A>T (p.Thr1673Ser) missense change has a maximum subpopulation allele frequency of 0.007% in gnomAD v2.1.1. The in silico tool REVEL is inconclusive about a pathogenic or benign effect of this variant on protein function. To our knowledge, this variant has not been reported as pathogenic in individuals with BRCA2-related disease. In summary, the evidence currently available is insufficient to determine the clinical significance of this variant. It has therefore been classified as of uncertain significance.

University of Washington Department of Laboratory Medicine, University of Washington
Classification: Likely benign for Hereditary cancer-predisposing syndrome. Last evaluated: 2023-03-23. Review status: criteria provided, single submitter. Criteria: Dines et al. (Genet Med. 2020). Collection method: curation. Allele origin: germline.
Comment: Missense variant in a coldspot region where missense variants are very unlikely to be pathogenic (PMID:31911673).

BRCA2 exon 11 coldspot. Reclassification based on statistical prior probability.

NM_000059.4(BRCA2):c.5017A>T (p.Thr1673Ser)

Gene: BRCA2 (BRCA2 DNA repair associated; plus strand). Cytogenetic location: 13q13.1.
Variant type: single nucleotide variant.
Coding change: c.5017A>T on transcript NM_000059.4 (MANE Select); coding-DNA position 5017, A replaced by T.
Protein change: p.Thr1673Ser; replaces threonine 1673 with serine.
Molecular consequence: missense variant.
Genome position (GRCh38, 1-based): chr13:32,339,372, A>T. VCF-style: chr13-32339372-A-T. GRCh37 (hg19) VCF-style: chr13-32913509-A-T.
Other names: c.5017A>T (NM_000059.3); short protein forms T1673S.
Identifiers: ClinVar variation 1744789 (VCV001744789.12), dbSNP rs746274489, ClinGen allele CA6940841.